The following is an entry in ClinVar:

ClinVar aggregate classification (germline): Likely pathogenic (1 of 4 stars; one submission).

Conditions:
Hereditary cancer-predisposing syndrome. Also called: Neoplastic Syndromes, Hereditary; Tumor predisposition; Hereditary Cancer Syndrome; Hereditary neoplastic syndrome. Identifiers: Orphanet 140162, MedGen C0027672, MeSH D009386, MONDO:0015356.

Submission:

Color Diagnostics, LLC DBA Color Health
Classification: Likely pathogenic for Hereditary cancer-predisposing syndrome. Last evaluated: 2022-07-07. Review status: criteria provided, single submitter. Criteria: ACMG Guidelines, 2015. Collection method: clinical testing. Allele origin: germline.
Comment: This variant deletes 1 nucleotide in exon 16 of the APC gene, creating a frameshift and premature translation stop signal in the last coding exon. This variant is predicted to escape nonsense-mediated decay and be expressed as a truncated protein. Although functional studies have not been reported, this variant is expected to disrupt the nuclear localization signal domains, beta-Catenin-, EB1-, and HDLG-binding sites (PMID: 17881494). To our knowledge, this variant has not been reported in individuals affected with hereditary cancer in the literature. This variant has not been identified in the general population by the Genome Aggregation Database (gnomAD). Loss of APC function is a known mechanism of disease. Based on the available evidence, this variant is classified as Likely Pathogenic.

Literature cited by the submitters: PubMed 17881494.

NM_000038.6(APC):c.2109del (p.Val704fs)

Gene: APC (APC regulator of Wnt signaling pathway; plus strand). Cytogenetic location: 5q22.2.
Variant type: Deletion.
Coding change: c.2109del on transcript NM_000038.6 (MANE Select); coding-DNA position 2109, one base deleted (A; older notation c.2109delA).
Protein change: p.Val704fs; shifts the reading frame from valine 704.
Molecular consequence: frameshift variant. On other transcripts: non-coding transcript variant (2).
Genome position (GRCh38, 1-based): chr5:112,837,703, A deleted. VCF-style (leftmost placement, unchanged base first): chr5-112837702-CA-C. GRCh37 (hg19) VCF-style: chr5-112173399-CA-C.
Other names: c.2163del, p.Val722fs (NM_001354896.2, NM_001407447.1, NM_001407448.1 and 1 more transcripts); c.2139del, p.Val714fs (NM_001354897.2); c.2034del, p.Val679fs (NM_001354898.2); c.2025del, p.Val676fs (NM_001354899.2); c.1986del, p.Val663fs (NM_001354900.2); c.1932del, p.Val645fs (NM_001354901.2, NM_001407453.1); c.1836del, p.Val613fs (NM_001354902.2); c.1806del, p.Val603fs (NM_001354903.2, NM_001407458.1, NM_001407459.1 and 1 more transcripts); and 11 more; short protein forms V578fs, V722fs, V421fs, V613fs, V621fs, V645fs, V679fs, V320fs.
Identifiers: ClinVar variation 2774808 (VCV002774808.2), dbSNP rs2533397561, ClinGen allele CA2697546202.